The following is an entry in ClinVar:

NM_057176.3(BSND):c.452del (p.Pro151fs)

Gene: BSND (barttin CLCNK type accessory subunit beta; plus strand). Cytogenetic location: 1p32.3.
Variant type: Deletion.
Coding change: c.452del on transcript NM_057176.3 (MANE Select); coding-DNA position 452, one base deleted (C; older notation c.452delC).
Protein change: p.Pro151fs; shifts the reading frame from proline 151.
Molecular consequence: frameshift variant.
Genome position (GRCh38, 1-based): chr1:55,007,176, C deleted; the last of 3 consecutive C bases (chr1:55,007,174-55,007,176); deleting any one gives the same sequence. VCF-style (leftmost placement, unchanged base first): chr1-55007173-GC-G. GRCh37 (hg19) VCF-style: chr1-55472846-GC-G.
Other names: c.452delC (NM_057176.3, NM_057176.2); c.450del (NM_057176.3); short protein forms P151fs.
Identifiers: ClinVar variation 590851 (VCV000590851.11), dbSNP rs765135576, ClinGen allele CA501071.

ClinVar aggregate classification (germline): Conflicting classifications of pathogenicity. Review status: criteria provided, conflicting classifications (1 of 4 stars). 7 submissions from 7 submitters: Pathogenic (2); Likely pathogenic (3); Uncertain significance (1). 1 of the submissions does not count toward it. Last evaluated 2025-10-22.

Conditions:
Bartter disease type 4A. Also called: BARTTER SYNDROME, TYPE 4A, NEONATAL, WITH SENSORINEURAL DEAFNESS; BARTTER SYNDROME, NEONATAL, WITH SENSORINEURAL DEAFNESS. Identifiers: Orphanet 112, MedGen C1865270, MONDO:0011242, OMIM 602522.
BSND-related disorder. Also called: BSND-related condition.

Submissions (7):

PreventionGenetics, part of Exact Sciences
Classification: Likely pathogenic for BSND-related condition. Last evaluated: 2025-10-22. Review status: criteria provided, single submitter. Criteria: ACMG Guidelines, 2015. Collection method: clinical testing. Allele origin: germline.
Comment: The BSND c.452delC variant is predicted to result in a frameshift and premature protein termination (p.Pro151Leufs*27). To our knowledge, this variant has not been reported in the literature in a patient with a BSND related disorder. This variant is reported in 0.029% of alleles in individuals of South Asian descent in gnomAD. Frameshift variants in BSND are expected to be pathogenic. This variant is interpreted as likely pathogenic.

Rare Kidney Stone Consortium and the Mayo Clinic Hyperoxaluria Center, Mayo Clinic
Classification: Likely pathogenic for Bartter disease type 4A. Last evaluated: 2025-10-03. Review status: criteria provided, single submitter. Criteria: ACMG Guidelines, 2015. Collection method: research. Allele origin: germline. Observed: 1 variant allele.
Comment: ACMG:PVS1, PP5

Genetics and Genomic Medicine Centre, NeuroGen Healthcare, NeuroGen Healthcare
Classification: Pathogenic for Bartter disease type 4A. Last evaluated: 2024-08-20. Review status: criteria provided, single submitter. Criteria: ACMG Guidelines, 2015. Collection method: clinical testing. Allele origin: unknown. Affected: yes.

Labcorp Genetics (formerly Invitae), Labcorp
Classification: Uncertain significance. Last evaluated: 2022-09-13. Review status: criteria provided, single submitter. Criteria: Invitae Variant Classification Sherloc (09022015). Collection method: clinical testing. Allele origin: germline.
Comment: This sequence change creates a premature translational stop signal (p.Pro151Leufs*27) in the BSND gene. While this is not anticipated to result in nonsense mediated decay, it is expected to disrupt the last 170 amino acid(s) of the BSND protein. This variant is present in population databases (rs765135576, gnomAD 0.03%). This premature translational stop signal has been observed in individual(s) with Bartter syndrome (PMID: 29942493). ClinVar contains an entry for this variant (Variation ID: 590851). In summary, the available evidence is currently insufficient to determine the role of this variant in disease. Therefore, it has been classified as a Variant of Uncertain Significance.

Revvity Omics, Revvity
Classification: Likely pathogenic for Bartter disease type 4A. Last evaluated: 2022-01-20. Review status: criteria provided, single submitter. Criteria: ACMG Guidelines, 2015. Collection method: clinical testing. Allele origin: germline.

Neuberg Centre For Genomic Medicine, NCGM
Classification: Pathogenic for Bartter disease type 4A. Review status: criteria provided, single submitter. Criteria: ACMG Guidelines, 2015. Collection method: clinical testing. Allele origin: germline. Inheritance: Autosomal dominant inheritance. Affected: yes.
Comment: This premature translational stop signal has been observed in individual(s) with Bartter syndrome (Walsh PR, et al.,2018)

Felix Claverie-Martin Laboratory, Hospital Universitario Nuestra Senora de Candelaria
Classification: Pathogenic for Bartter disease type 4A. Review status: no assertion criteria provided. Collection method: clinical testing. Allele origin: inherited. Inheritance: Autosomal recessive inheritance. Affected: yes. Observed: 1 homozygote. Not counted in ClinVar's aggregate classification.

Literature cited by the submitters: PubMed 31589614 (cited by Rare Kidney Stone Consortium and the Mayo Clinic Hyperoxaluria Center, Mayo Clinic); PubMed 40794449 (cited by Rare Kidney Stone Consortium and the Mayo Clinic Hyperoxaluria Center, Mayo Clinic); PubMed 29942493 (cited by Labcorp Genetics (formerly Invitae), Labcorp).